The following is an entry in ClinVar:

ClinVar aggregate classification (germline): Likely pathogenic (1 of 4 stars; one submission).

Conditions:
Aortic aneurysm, familial thoracic 7 (AAT7). Also called: AORTIC DISSECTION, FAMILIAL, WITH OR WITHOUT AORTIC ANEURYSM. Identifiers: MedGen C3151077, MONDO:0013418, OMIM 613780.

gnomAD v4.1: 4 of 1,613,636 alleles (0.00025%); highest among the groups gnomAD compares: African/African-American, 0.0027%; no homozygotes.

Submission:

Labcorp Genetics (formerly Invitae), Labcorp
Classification: Likely pathogenic for Aortic aneurysm, familial thoracic 7. Last evaluated: 2025-02-26. Review status: criteria provided, single submitter. Criteria: Invitae Variant Classification Sherloc (09022015). Collection method: clinical testing. Allele origin: germline.
Comment: This sequence change affects a donor splice site in intron 32 of the MYLK gene. This variant occurs within the aortic-specific isoform of MYLK. Loss-of-function variants in the aortic-specific isoform of MYLK are known to be pathogenic for thoracic aortic dissections (PMID: 21055718). This variant is present in population databases (rs763825048, gnomAD 0.007%). This variant has not been reported in the literature in individuals affected with MYLK-related conditions. Algorithms developed to predict the effect of sequence changes on RNA splicing suggest that this variant may disrupt the consensus splice site. In summary, the currently available evidence indicates that the variant is pathogenic, but additional data are needed to prove that conclusively. Therefore, this variant has been classified as Likely Pathogenic.

Literature cited by the submitters: PubMed 21055718.

NM_053025.4(MYLK):c.5368+1G>A

Genes: MYLK-AS1 (MYLK antisense RNA 1; plus strand), MYLK (myosin light chain kinase; minus strand). Cytogenetic location: 3q21.1.
Variant type: single nucleotide variant.
Coding change: c.5368+1G>A on transcript NM_053025.4 (MANE Select); the canonical splice donor site of the intron after coding-DNA position 5368, G replaced by A.
Molecular consequence: splice donor variant.
Genome position (GRCh38, 1-based): chr3:123,620,206, C>T on the plus strand (G>A on the coding strand, the complement: MYLK is on the minus strand). VCF-style: chr3-123620206-C-T. GRCh37 (hg19) VCF-style: chr3-123339053-C-T.
Other names: c.4840+1G>A (NM_001321309.2); c.5008+1G>A (NM_053028.4); c.5161+1G>A (NM_053026.4); c.5215+1G>A (NM_053027.4); c.88+1G>A (NM_053031.4, NM_053032.4).
Identifiers: ClinVar variation 3706035 (VCV003706035.2).